The following is an entry in ClinVar:

ClinVar aggregate classification (germline): Uncertain significance. Review status: criteria provided, multiple submitters, no conflicts (2 of 4 stars). 2 submissions from 2 submitters: Uncertain significance (2). Last evaluated 2023-08-24.

Submissions (2):

Labcorp Genetics (formerly Invitae), Labcorp
Classification: Uncertain significance. Last evaluated: 2023-08-24. Review status: criteria provided, single submitter. Criteria: Invitae Variant Classification Sherloc (09022015). Collection method: clinical testing. Allele origin: germline.
Comment: In summary, the available evidence is currently insufficient to determine the role of this variant in disease. Therefore, it has been classified as a Variant of Uncertain Significance. Experimental studies and prediction algorithms are not available or were not evaluated, and the functional significance of this variant is currently unknown. This variant has not been reported in the literature in individuals affected with RASGRP1-related conditions. This variant is present in population databases (rs772016720, gnomAD 0.003%). This variant, c.1814_1816del, results in the deletion of 1 amino acid(s) of the RASGRP1 protein (p.Asn605del), but otherwise preserves the integrity of the reading frame.

Breakthrough Genomics
Classification: Uncertain significance. Review status: criteria provided, single submitter. Criteria: ACMG Guidelines, 2015. Collection method: not provided. Allele origin: germline. Inheritance: Autosomal recessive inheritance. Affected: yes.

NM_005739.4(RASGRP1):c.1811ACA[1] (p.Asn605del)

Gene: RASGRP1 (RAS guanyl releasing protein 1; minus strand). Cytogenetic location: 15q14.
Variant type: Microsatellite.
Coding change: c.1811ACA[1] on transcript NM_005739.4 (MANE Select); one copy of the 3-base unit ACA starting at c.1811; the reference has two copies in a row; one copy, 3 bases deleted.
Protein change: p.Asn605del; deletes asparagine 605.
Molecular consequence: inframe deletion.
Genome position (GRCh38, 1-based): chr15:38,498,851-38,498,853, TGT deleted on the plus strand (ACA on the coding strand, the reverse complement: RASGRP1 is on the minus strand); deleting any 3 consecutive bases within chr15:38,498,851-38,498,857 gives the same sequence; the position shown is the placement nearest the transcript's 3' end. VCF-style (leftmost placement, unchanged base first): chr15-38498850-GTGT-G. GRCh37 (hg19) VCF-style: chr15-38791051-GTGT-G.
Other names: c.1706ACA[1], p.Asn570del (NM_001128602.2, NM_001306086.2); short protein forms N605del, N570del.
Identifiers: ClinVar variation 1432552 (VCV001432552.5), dbSNP rs772016720, ClinGen allele CA7470741.